The following is an entry in ClinVar:

NM_001244710.2(GFPT1):c.1547C>T (p.Ser516Phe)

Gene: GFPT1 (glutamine--fructose-6-phosphate transaminase 1; minus strand). Cytogenetic location: 2p13.3.
Variant type: single nucleotide variant.
Coding change: c.1547C>T on transcript NM_001244710.2 (MANE Select); coding-DNA position 1547, C replaced by T.
Protein change: p.Ser516Phe; replaces serine 516 with phenylalanine.
Molecular consequence: missense variant.
Genome position (GRCh38, 1-based): chr2:69,329,734, G>A on the plus strand (C>T on the coding strand, the complement: GFPT1 is on the minus strand). VCF-style: chr2-69329734-G-A. GRCh37 (hg19) VCF-style: chr2-69556866-G-A.
Other names: c.1493C>T, p.Ser498Phe (NM_002056.4); short protein forms S498F, S516F.
Identifiers: ClinVar variation 2444034 (VCV002444034.1), dbSNP rs2466022802, ClinGen allele CA347422892.

ClinVar aggregate classification (germline): Uncertain significance (1 of 4 stars; one submission).

Conditions:
Congenital myasthenic syndrome 12 (CMS12). Also called: MYASTHENIC SYNDROME, CONGENITAL, WITH TUBULAR AGGREGATES 1; Myasthenia, congenital, 12, with tubular aggregates. Identifiers: Orphanet 353327, Orphanet 590, MedGen C3552335, MONDO:0012518, OMIM 610542.

Submission:

3billion
Classification: Uncertain significance for Congenital myasthenic syndrome 12. Last evaluated: 2023-02-23. Review status: criteria provided, single submitter. Criteria: ACMG Guidelines, 2015. Collection method: clinical testing. Allele origin: unknown. Affected: yes.
Comment: The variant is not observed in the gnomAD v2.1.1 dataset. Missense changes are a common disease-causing mechanism. In silico tool predictions suggest damaging effect of the variant on gene or gene product (REVEL: 0.69). Therefore, this variant is classified as VUS according to the recommendation of ACMG/AMP guideline.